The following is an entry in ClinVar:

NM_015466.4(PTPN23):c.2531T>G (p.Val844Gly)

Gene: PTPN23 (protein tyrosine phosphatase non-receptor type 23; plus strand). Cytogenetic location: 3p21.31.
Variant type: single nucleotide variant.
Coding change: c.2531T>G on transcript NM_015466.4 (MANE Select); coding-DNA position 2531, T replaced by G.
Protein change: p.Val844Gly; replaces valine 844 with glycine.
Molecular consequence: missense variant.
Genome position (GRCh38, 1-based): chr3:47,410,329, T>G. VCF-style: chr3-47410329-T-G. GRCh37 (hg19) VCF-style: chr3-47451819-T-G.
Other names: c.2153T>G, p.Val718Gly (NM_001304482.2); short protein forms V718G, V844G.
Identifiers: ClinVar variation 2001471 (VCV002001471.4), dbSNP rs2546250277, ClinGen allele CA352559349.

ClinVar aggregate classification (germline): Uncertain significance (1 of 4 stars; one submission).

Submission:

Labcorp Genetics (formerly Invitae), Labcorp
Classification: Uncertain significance. Last evaluated: 2023-12-11. Review status: criteria provided, single submitter. Criteria: Invitae Variant Classification Sherloc (09022015). Collection method: clinical testing. Allele origin: germline.
Comment: This sequence change replaces valine, which is neutral and non-polar, with glycine, which is neutral and non-polar, at codon 844 of the PTPN23 protein (p.Val844Gly). This variant is not present in population databases (gnomAD no frequency). This variant has not been reported in the literature in individuals affected with PTPN23-related conditions. ClinVar contains an entry for this variant (Variation ID: 2001471). Algorithms developed to predict the effect of missense changes on protein structure and function output the following: SIFT: "Not Available"; PolyPhen-2: "Not Available"; Align-GVGD: "Not Available". The glycine amino acid residue is found in multiple mammalian species, which suggests that this missense change does not adversely affect protein function. In summary, the available evidence is currently insufficient to determine the role of this variant in disease. Therefore, it has been classified as a Variant of Uncertain Significance.